The following is an entry in ClinVar:

ClinVar aggregate classification (germline): Uncertain significance. Review status: criteria provided, multiple submitters, no conflicts (2 of 4 stars). 3 submissions from 3 submitters: Uncertain significance (3). Last evaluated 2024-11-09.

Conditions:
Cardiovascular phenotype. Identifiers: MedGen CN230736.
Walker-Warburg congenital muscular dystrophy. Also called: Muscular dystrophy-dystroglycanopathy, type A; Walker-Warburg syndrome. Identifiers: Orphanet 899, MedGen C0265221, MONDO:0000171.

Allele frequency attached by ClinVar (database versions not stated): gnomAD exomes below 0.00001 and 0.00001; gnomAD 0.00001; TOPMed 0.00001.
gnomAD v4.1: 16 of 1,613,278 alleles (0.00099%); highest among the groups gnomAD compares: East Asian, 0.0022%; no homozygotes.

Submissions (3):

Labcorp Genetics (formerly Invitae), Labcorp
Classification: Uncertain significance for Walker-Warburg congenital muscular dystrophy. Last evaluated: 2024-11-09. Review status: criteria provided, single submitter. Criteria: Invitae Variant Classification Sherloc (09022015). Collection method: clinical testing. Allele origin: germline.
Comment: This sequence change replaces arginine, which is basic and polar, with tryptophan, which is neutral and slightly polar, at codon 146 of the FKTN protein (p.Arg146Trp). This variant is present in population databases (no rsID available, gnomAD 0.0009%). This variant has not been reported in the literature in individuals affected with FKTN-related conditions. ClinVar contains an entry for this variant (Variation ID: 944896). Invitae Evidence Modeling of protein sequence and biophysical properties (such as structural, functional, and spatial information, amino acid conservation, physicochemical variation, residue mobility, and thermodynamic stability) has been performed for this missense variant. However, the output from this modeling did not meet the statistical confidence thresholds required to predict the impact of this variant on FKTN protein function. In summary, the available evidence is currently insufficient to determine the role of this variant in disease. Therefore, it has been classified as a Variant of Uncertain Significance.

Ambry Genetics
Classification: Uncertain significance for Cardiovascular phenotype. Last evaluated: 2023-04-22. Review status: criteria provided, single submitter. Criteria: Ambry Variant Classification Scheme 2023. Collection method: clinical testing. Allele origin: germline.
Comment: The p.R146W variant (also known as c.436C>T), located in coding exon 4 of the FKTN gene, results from a C to T substitution at nucleotide position 436. The arginine at codon 146 is replaced by tryptophan, an amino acid with dissimilar properties. This amino acid position is conserved. In addition, this alteration is predicted to be deleterious by in silico analysis. Since supporting evidence is limited at this time, the clinical significance of this alteration remains unclear.

Blueprint Genetics
Classification: Uncertain significance. Last evaluated: 2019-08-16. Review status: criteria provided, single submitter. Criteria: ACMG Guidelines, 2015. Collection method: clinical testing. Allele origin: germline.

NM_001079802.2(FKTN):c.436C>T (p.Arg146Trp)

Gene: FKTN (fukutin; plus strand). Cytogenetic location: 9q31.2.
Variant type: single nucleotide variant.
Coding change: c.436C>T on transcript NM_001079802.2 (MANE Select); coding-DNA position 436, C replaced by T.
Protein change: p.Arg146Trp; replaces arginine 146 with tryptophan.
Molecular consequence: missense variant. On other transcripts: non-coding transcript variant (2).
Genome position (GRCh38, 1-based): chr9:105,604,281, C>T. VCF-style: chr9-105604281-C-T. GRCh37 (hg19) VCF-style: chr9-108366562-C-T.
Other names: c.436C>T, p.Arg146Trp (NM_001198963.2, NM_001351496.2, NM_001351498.2 and 1 more transcripts); c.367C>T, p.Arg123Trp (NM_001351497.2); c.40C>T, p.Arg14Trp (NM_001351499.2, NM_001351500.2, NM_001351501.2 and 1 more transcripts); short protein forms R146W, R14W, R123W.
Identifiers: ClinVar variation 944896 (VCV000944896.8), dbSNP rs1208639233, ClinGen allele CA374332000.
Genomic context (GRCh38, chr9:105,604,281, plus strand): 5'-TGGTTTCGGATAGCTGAGAATATGGGATTTCAGTGCCTAAAGATTGAGAGTAAAGATCCC[C>T]GGCTAGACGGGATAGACTCACTCTCTGGAACTGAAATCCCCCTGCACTATATCTGCAAAC-3'
Protein context (NP_001073270.1, residues 136-156): QCLKIESKDP[Arg146Trp]LDGIDSLSGT